The following is an entry in ClinVar:

NM_001035.3(RYR2):c.12168G>T (p.Lys4056Asn)

Gene: RYR2 (ryanodine receptor 2; plus strand). Cytogenetic location: 1q43.
Variant type: single nucleotide variant.
Coding change: c.12168G>T on transcript NM_001035.3 (MANE Select); coding-DNA position 12168, G replaced by T.
Protein change: p.Lys4056Asn; replaces lysine 4056 with asparagine.
Molecular consequence: missense variant.
Genome position (GRCh38, 1-based): chr1:237,783,880, G>T. VCF-style: chr1-237783880-G-T. GRCh37 (hg19) VCF-style: chr1-237947180-G-T.
Other names: short protein forms K4056N.
Identifiers: ClinVar variation 922367 (VCV000922367.7), dbSNP rs1573932788, ClinGen allele CA345412403.

ClinVar aggregate classification (germline): Uncertain significance. Review status: criteria provided, multiple submitters, no conflicts (2 of 4 stars). 3 submissions from 3 submitters: Uncertain significance (3). Last evaluated 2024-11-21.

Conditions:
Catecholaminergic polymorphic ventricular tachycardia (CVPT). Also called: Catecholamine-induced polymorphic ventricular tachycardia. Identifiers: Orphanet 3286, MedGen C5574922, MONDO:0017990.
Catecholaminergic polymorphic ventricular tachycardia 1. Also called: VENTRICULAR TACHYCARDIA, CATECHOLAMINERGIC POLYMORPHIC, 1, WITH OR WITHOUT ATRIAL DYSFUNCTION AND/OR DILATED CARDIOMYOPATHY; RYR2-Related Catecholaminergic Polymorphic Ventricular Tachycardia; VENTRICULAR TACHYCARDIA, STRESS-INDUCED POLYMORPHIC 1. Identifiers: Orphanet 3286, MedGen C1631597, MONDO:0011484, OMIM 604772.
Cardiomyopathy (CMYO). Also called: Cardiomyopathies. Identifiers: Orphanet 167848, MedGen C0878544, MONDO:0004994, HP:0001638. Inheritance: Various modes of inheritance.

gnomAD v4.1: 2 of 1,613,822 alleles (0.00012%); highest among the groups gnomAD compares: Non-Finnish European, 0.00017%; no homozygotes.

Submissions (3):

Labcorp Genetics (formerly Invitae), Labcorp
Classification: Uncertain significance for Catecholaminergic polymorphic ventricular tachycardia 1. Last evaluated: 2024-11-21. Review status: criteria provided, single submitter. Criteria: Invitae Variant Classification Sherloc (09022015). Collection method: clinical testing. Allele origin: germline.
Comment: This sequence change replaces lysine, which is basic and polar, with asparagine, which is neutral and polar, at codon 4056 of the RYR2 protein (p.Lys4056Asn). This variant is not present in population databases (gnomAD no frequency). This missense change has been observed in individual(s) with clinical features of RYR2-related conditions (PMID: 32101375). ClinVar contains an entry for this variant (Variation ID: 922367). Invitae Evidence Modeling of protein sequence and biophysical properties (such as structural, functional, and spatial information, amino acid conservation, physicochemical variation, residue mobility, and thermodynamic stability) has been performed for this missense variant. However, the output from this modeling did not meet the statistical confidence thresholds required to predict the impact of this variant on RYR2 protein function. In summary, the available evidence is currently insufficient to determine the role of this variant in disease. Therefore, it has been classified as a Variant of Uncertain Significance.

All of Us Research Program, National Institutes of Health
Classification: Uncertain significance for Catecholaminergic polymorphic ventricular tachycardia. Last evaluated: 2024-07-29. Review status: criteria provided, single submitter. Criteria: ACMG Guidelines, 2015. Collection method: clinical testing. Allele origin: germline. Inheritance: Autosomal dominant inheritance. Observed: 1 variant allele, 1 heterozygote.
Comment: This missense variant replaces lysine with asparagine at codon 4056 of the RYR2 protein. Computational prediction tools and conservation analyses suggest that this variant may have deleterious impact on the protein function. Computational splicing tools suggest that this variant may not impact RNA splicing. To our knowledge, functional assays have not been performed for this variant nor has this variant been reported in individuals affected with cardiovascular disorders in the literature. This variant has not been identified in the general population by the Genome Aggregation Database (gnomAD). Available evidence is insufficient to determine the role of this variant in disease conclusively. Therefore, this variant is classified as a Variant of Uncertain Significance.

This study involves interpretation of variants in research participants for the purpose of population health screening. Participant phenotype was not available at the time of variant classification. Additional details can be found in publication PMID: 35346344, PMCID: PMC8962531

Color Diagnostics, LLC DBA Color Health
Classification: Uncertain significance for Cardiomyopathy. Last evaluated: 2024-07-17. Review status: criteria provided, single submitter. Criteria: ACMG Guidelines, 2015. Collection method: clinical testing. Allele origin: germline.
Comment: This missense variant replaces lysine with asparagine at codon 4056 of the RYR2 protein. Computational prediction suggests that this variant may not impact protein structure and function. To our knowledge, functional studies have not been reported for this variant. This variant has not been reported in individuals affected with RYR2-related disorders in the literature but has been reported in an individual with sudden unexplained death (PMID: 32101375). This variant has not been identified in the general population by the Genome Aggregation Database (gnomAD). The available evidence is insufficient to determine the role of this variant in disease conclusively. Therefore, this variant is classified as a Variant of Uncertain Significance.

Literature cited by the submitters: PubMed 32101375 (cited by Labcorp Genetics (formerly Invitae), Labcorp and Color Diagnostics, LLC DBA Color Health).